The following is an entry in ClinVar:

ClinVar aggregate classification (germline): Uncertain significance (1 of 4 stars; one submission).

Submission:

Labcorp Genetics (formerly Invitae), Labcorp
Classification: Uncertain significance. Last evaluated: 2023-03-24. Review status: criteria provided, single submitter. Criteria: Invitae Variant Classification Sherloc (09022015). Collection method: clinical testing. Allele origin: germline.
Comment: Advanced modeling of protein sequence and biophysical properties (such as structural, functional, and spatial information, amino acid conservation, physicochemical variation, residue mobility, and thermodynamic stability) performed at Invitae indicates that this missense variant is not expected to disrupt CTNNA1 protein function. In summary, the available evidence is currently insufficient to determine the role of this variant in disease. Therefore, it has been classified as a Variant of Uncertain Significance. ClinVar contains an entry for this variant (Variation ID: 2008546). This sequence change replaces methionine, which is neutral and non-polar, with isoleucine, which is neutral and non-polar, at codon 352 of the CTNNA1 protein (p.Met352Ile). This variant is not present in population databases (gnomAD no frequency). This variant has not been reported in the literature in individuals affected with CTNNA1-related conditions.

NM_001903.5(CTNNA1):c.1056G>T (p.Met352Ile)

Gene: CTNNA1 (catenin alpha 1; plus strand). Cytogenetic location: 5q31.2.
Variant type: single nucleotide variant.
Coding change: c.1056G>T on transcript NM_001903.5 (MANE Select); coding-DNA position 1056, G replaced by T.
Protein change: p.Met352Ile; replaces methionine 352 with isoleucine.
Molecular consequence: missense variant.
Genome position (GRCh38, 1-based): chr5:138,827,712, G>T. VCF-style: chr5-138827712-G-T. GRCh37 (hg19) VCF-style: chr5-138163401-G-T.
Other names: c.1056G>T, p.Met352Ile (NM_001290307.3, NM_001323982.2, NM_001323983.1 and 3 more transcripts); c.747G>T, p.Met249Ile (NM_001290309.3); c.687G>T, p.Met229Ile (NM_001290310.3); short protein forms M249I, M229I, M352I.
Identifiers: ClinVar variation 2008546 (VCV002008546.4), dbSNP rs2149786111, ClinGen allele CA361131331.